The following is an entry in ClinVar:

NM_006306.4(SMC1A):c.3047_3048dup (p.Leu1017fs)

Gene: SMC1A (structural maintenance of chromosomes 1A; minus strand). Cytogenetic location: Xp11.22.
Variant type: Microsatellite.
Coding change: c.3047_3048dup on transcript NM_006306.4 (MANE Select); coding-DNA positions 3047 to 3048, 2 bases duplicated (TG; older notation c.3047_3048dupTG).
Protein change: p.Leu1017fs; shifts the reading frame from leucine 1017.
Molecular consequence: frameshift variant.
Genome position (GRCh38, 1-based): chrX:53,383,179-53,383,180, CA duplicated on the plus strand (TG on the coding strand, the reverse complement: SMC1A is on the minus strand); duplicating any 2 consecutive bases within chrX:53,383,179-53,383,183 gives the same sequence; the c. name uses the placement nearest the transcript's 3' end. VCF-style (leftmost placement, unchanged base first): chrX-53383178-G-GCA. GRCh37 (hg19) VCF-style: chrX-53410099-G-GCA.
Other names: c.2981_2982dup, p.Leu995fs (NM_001281463.1); short protein forms L1017fs, L995fs.
Identifiers: ClinVar variation 4880697 (VCV004880697.2).

ClinVar aggregate classification (germline): Likely pathogenic (1 of 4 stars; one submission).

Submission:

Dasa
Classification: Likely pathogenic. Last evaluated: 2025-03-10. Review status: criteria provided, single submitter. Criteria: DASA Assertion Criteria. Collection method: clinical testing. Allele origin: germline.
Comment: NM_006306.4(SMC1A):c.3047_3048dup (p.Leu1017Cysfs*10) is a frameshift variant in SMC1A predicted to alter the reading frame and introduce a premature termination codon and is predicted to result in an absent or altered protein product. Loss of function is an established disease mechanism for SMC1A (PMID: 24896178; PMID: 26386245; PMID: 28166369). Also, this variant is absent from population databases. Based on the currently available evidence, this variant is classified as likely pathogenic.

Literature cited by the submitters: PubMed 24896178; PubMed 26386245; PubMed 28166369.